The following is an entry in ClinVar:

NM_001261826.3(AP3D1):c.2956CTC[1] (p.Leu987del)

Gene: AP3D1 (adaptor related protein complex 3 subunit delta 1; minus strand). Cytogenetic location: 19p13.3.
Variant type: Microsatellite.
Coding change: c.2956CTC[1] on transcript NM_001261826.3 (MANE Select); one copy of the 3-base unit CTC starting at c.2956; the reference has two copies in a row; one copy, 3 bases deleted; also written c.2959_2961del.
Protein change: p.Leu987del; deletes leucine 987.
Molecular consequence: inframe deletion.
Genome position (GRCh38, 1-based): chr19:2,111,309-2,111,311, GAG deleted on the plus strand (CTC on the coding strand, the reverse complement: AP3D1 is on the minus strand); deleting any 3 consecutive bases within chr19:2,111,309-2,111,315 gives the same sequence; the position shown is the placement nearest the transcript's 3' end. VCF-style (leftmost placement, unchanged base first): chr19-2111308-CGAG-C. GRCh37 (hg19) VCF-style: chr19-2111307-CGAG-C.
Other names: p.Leu987del; c.2920CTC[1], p.Leu975del (NM_001374799.1); c.2770CTC[1], p.Leu925del (NM_003938.8); c.2959_2961del (NM_001261826.3); short protein forms L925del, L975del, L987del.
Identifiers: ClinVar variation 1424502 (VCV001424502.9), dbSNP rs776535072, ClinGen allele CA9058622.

ClinVar aggregate classification (germline): Uncertain significance. Review status: criteria provided, multiple submitters, no conflicts (2 of 4 stars). 2 submissions from 2 submitters: Uncertain significance (2). Last evaluated 2025-02-05.

Submissions (2):

Mayo Clinic Laboratories, Mayo Clinic
Classification: Uncertain significance. Last evaluated: 2025-02-05. Review status: criteria provided, single submitter. Criteria: ACMG Guidelines, 2015. Collection method: clinical testing. Allele origin: germline. Observed: 1 variant allele.
Comment: PM2_supporting, PM4

Labcorp Genetics (formerly Invitae), Labcorp
Classification: Uncertain significance. Last evaluated: 2024-08-20. Review status: criteria provided, single submitter. Criteria: Invitae Variant Classification Sherloc (09022015). Collection method: clinical testing. Allele origin: germline.
Comment: This variant, c.2959_2961del, results in the deletion of 1 amino acid(s) of the AP3D1 protein (p.Leu987del), but otherwise preserves the integrity of the reading frame. This variant is present in population databases (rs776535072, gnomAD 0.002%). This variant has not been reported in the literature in individuals affected with AP3D1-related conditions. Experimental studies and prediction algorithms are not available or were not evaluated, and the functional significance of this variant is currently unknown. In summary, the available evidence is currently insufficient to determine the role of this variant in disease. Therefore, it has been classified as a Variant of Uncertain Significance.